The following is an entry in ClinVar:

NM_000136.3(FANCC):c.802T>A (p.Cys268Ser)

Genes: FANCC (FA complementation group C; minus strand), AOPEP (aminopeptidase O (putative); plus strand). Cytogenetic location: 9q22.32.
Variant type: single nucleotide variant.
Coding change: c.802T>A on transcript NM_000136.3 (MANE Select); coding-DNA position 802, T replaced by A.
Protein change: p.Cys268Ser; replaces cysteine 268 with serine.
Molecular consequence: missense variant.
Genome position (GRCh38, 1-based): chr9:95,135,387, A>T on the plus strand (T>A on the coding strand, the complement: FANCC is on the minus strand). VCF-style: chr9-95135387-A-T. GRCh37 (hg19) VCF-style: chr9-97897669-A-T.
Other names: p.C268S:TGT>AGT; c.802T>A, p.Cys268Ser (NM_001243743.2, NM_001243744.2); short protein forms C268S.
Identifiers: ClinVar variation 182479 (VCV000182479.16), dbSNP rs730881718, ClinGen allele CA299166.

ClinVar aggregate classification (germline): Uncertain significance. Review status: criteria provided, multiple submitters, no conflicts (2 of 4 stars). 5 submissions from 5 submitters: Uncertain significance (4). 1 of the submissions does not count toward it. Last evaluated 2025-04-01.

Conditions:
Hereditary cancer-predisposing syndrome. Also called: Tumor predisposition; Hereditary Cancer Syndrome; Hereditary neoplastic syndrome; Neoplastic Syndromes, Hereditary. Identifiers: Orphanet 140162, MedGen C0027672, MeSH D009386, MONDO:0015356.
Fanconi anemia complementation group C (FANCC). Also called: FANCONI PANCYTOPENIA, TYPE 3; FACC; FANCC-Related Fanconi Anemia; Fanconi anemia, group C. Identifiers: Orphanet 84, MedGen C3468041, MONDO:0009213, OMIM 227645.
Fanconi anemia (FA). Also called: Fanconi's anemia. Identifiers: Orphanet 84, MedGen C0015625, MeSH D005199, MONDO:0019391.

Allele frequency attached by ClinVar (database versions not stated): gnomAD exomes below 0.00001; ExAC 0.00001; gnomAD 0.00001.
gnomAD v4.1: 6 of 1,613,982 alleles (0.00037%); highest among the groups gnomAD compares: Non-Finnish European, 0.00042%; no homozygotes.

Submissions (5):

Ambry Genetics
Classification: Uncertain significance for Hereditary cancer-predisposing syndrome. Last evaluated: 2025-04-01. Review status: criteria provided, single submitter. Criteria: Ambry Variant Classification Scheme 2023. Collection method: clinical testing. Allele origin: germline.

Fulgent Genetics
Classification: Uncertain significance for Fanconi anemia complementation group C. Last evaluated: 2024-02-25. Review status: criteria provided, single submitter. Criteria: ACMG Guidelines, 2015. Collection method: clinical testing. Allele origin: germline.

GeneDx
Classification: Uncertain significance. Last evaluated: 2024-01-17. Review status: criteria provided, single submitter. Criteria: GeneDx Variant Classification Process June 2021. Collection method: clinical testing. Allele origin: germline. Affected: yes.
Comment: Not observed at significant frequency in large population cohorts (gnomAD); In silico analysis supports that this missense variant does not alter protein structure/function; Has not been previously published as pathogenic or benign to our knowledge; This variant is associated with the following publications: (PMID: Gordon2000[Book])

Labcorp Genetics (formerly Invitae), Labcorp
Classification: Uncertain significance for Fanconi anemia. Last evaluated: 2022-01-13. Review status: criteria provided, single submitter. Criteria: Invitae Variant Classification Sherloc (09022015). Collection method: clinical testing. Allele origin: germline.
Comment: This sequence change replaces cysteine, which is neutral and slightly polar, with serine, which is neutral and polar, at codon 268 of the FANCC protein (p.Cys268Ser). This variant is present in population databases (rs730881718, gnomAD 0.002%). This variant has not been reported in the literature in individuals affected with FANCC-related conditions. ClinVar contains an entry for this variant (Variation ID: 182479). Algorithms developed to predict the effect of missense changes on protein structure and function output the following: SIFT: "Tolerated"; PolyPhen-2: "Benign"; Align-GVGD: "Class C0". The serine amino acid residue is found in multiple mammalian species, which suggests that this missense change does not adversely affect protein function. In summary, the available evidence is currently insufficient to determine the role of this variant in disease. Therefore, it has been classified as a Variant of Uncertain Significance.

Natera, Inc.
Classification: Uncertain significance for Fanconi anemia, group C. Last evaluated: 2020-09-16. Review status: no assertion criteria provided. Collection method: clinical testing. Allele origin: germline. Not counted in ClinVar's aggregate classification.